The following is an entry in ClinVar:

NM_002474.3(MYH11):c.5742C>G (p.Asn1914Lys)

Genes: NDE1 (nudE neurodevelopment protein 1; plus strand), MYH11 (myosin heavy chain 11; minus strand). Cytogenetic location: 16p13.11.
Variant type: single nucleotide variant.
Coding change: c.5742C>G on transcript NM_002474.3 (MANE Select); coding-DNA position 5742, C replaced by G.
Protein change: p.Asn1914Lys; replaces asparagine 1914 with lysine.
Molecular consequence: missense variant. On other transcripts: intron variant (2).
Genome position (GRCh38, 1-based): chr16:15,714,953, G>C on the plus strand (C>G on the coding strand, the complement: MYH11 is on the minus strand). VCF-style: chr16-15714953-G-C. GRCh37 (hg19) VCF-style: chr16-15808810-G-C.
Other names: c.5763C>G, p.Asn1921Lys (NM_001040113.2, NM_001040114.2); c.5742C>G, p.Asn1914Lys (NM_022844.3); c.948-9238G>C (NM_001143979.2, NM_017668.3); short protein forms N1921K, N1914K.
Identifiers: ClinVar variation 2071282 (VCV002071282.4), dbSNP rs146391904, ClinGen allele CA394846432.
Genomic context (GRCh38, chr16:15,714,953, plus strand): 5'-GCCACGGGCTCCTCACCTGAGCTTGCTCTTGAGTGCGTTCACCTCGCGGCCCATGGCCTC[G>C]TTGCTCTCCGTGGCCTCATCCAGCTCCCGCTGCAGCTTCCTGCGGTTGGCGTTGATGCGC-3'
Protein context (NP_002465.1, residues 1904-1924): QRELDEATES[Asn1914Lys]EAMGREVNAL

ClinVar aggregate classification (germline): Uncertain significance (1 of 4 stars; one submission).

Conditions:
Aortic aneurysm, familial thoracic 4 (AAT4). Also called: AORTIC ANEURYSM/AORTIC DISSECTION AND PATENT DUCTUS ARTERIOSUS. Identifiers: MedGen C1851504, MONDO:0007568, OMIM 132900.

gnomAD v4.1: 2 of 1,614,100 alleles (0.00012%); highest among the groups gnomAD compares: Non-Finnish European, 0.00017%; no homozygotes.

Submission:

Labcorp Genetics (formerly Invitae), Labcorp
Classification: Uncertain significance for Aortic aneurysm, familial thoracic 4. Last evaluated: 2025-06-29. Review status: criteria provided, single submitter. Criteria: Invitae Variant Classification Sherloc (09022015). Collection method: clinical testing. Allele origin: germline.
Comment: This sequence change replaces asparagine, which is neutral and polar, with lysine, which is basic and polar, at codon 1921 of the MYH11 protein (p.Asn1921Lys). This variant is not present in population databases (gnomAD no frequency). This variant has not been reported in the literature in individuals affected with MYH11-related conditions. ClinVar contains an entry for this variant (Variation ID: 2071282). Invitae Evidence Modeling of protein sequence and biophysical properties (such as structural, functional, and spatial information, amino acid conservation, physicochemical variation, residue mobility, and thermodynamic stability) indicates that this missense variant is not expected to disrupt MYH11 protein function with a negative predictive value of 95%. In summary, the available evidence is currently insufficient to determine the role of this variant in disease. Therefore, it has been classified as a Variant of Uncertain Significance.